The following is an entry in ClinVar:

NM_001378615.1(CC2D2A):c.4314+163C>T

Genes: FBXL5 (F-box and leucine rich repeat protein 5; minus strand), CC2D2A (coiled-coil and C2 domain containing 2A; plus strand). Cytogenetic location: 4p15.32.
Variant type: single nucleotide variant.
Coding change: c.4314+163C>T on transcript NM_001378615.1 (MANE Select); 163 bases into the intron after coding-DNA position 4314, C replaced by T.
Molecular consequence: intron variant.
Genome position (GRCh38, 1-based): chr4:15,589,842, C>T. VCF-style: chr4-15589842-C-T. GRCh37 (hg19) VCF-style: chr4-15591465-C-T.
Other names: c.4314+163C>T (NM_001080522.2); c.4167+163C>T (NM_001378617.1).
Identifiers: ClinVar variation 678293 (VCV000678293.1), dbSNP rs28661857, ClinGen allele CA11717938.

ClinVar aggregate classification (germline): Benign (1 of 4 stars; one submission).

Allele frequency attached by ClinVar (database versions not stated): TOPMed 0.27772; 1000 Genomes Project 30x 0.30543; 1000 Genomes Project 0.30970; gnomAD 0.27499.
gnomAD v4.1: 41,750 of 149,960 alleles (28%); highest among the groups gnomAD compares: East Asian, 47%; 6,081 homozygotes.

Submission:

GeneDx
Classification: Benign. Last evaluated: 2018-06-14. Review status: criteria provided, single submitter. Criteria: GeneDx Variant Classification (06012015). Collection method: clinical testing. Allele origin: germline. Affected: yes.
Comment: This variant is considered likely benign or benign based on one or more of the following criteria: it is a conservative change, it occurs at a poorly conserved position in the protein, it is predicted to be benign by multiple in silico algorithms, and/or has population frequency not consistent with disease.